The following is an entry in ClinVar:

ClinVar aggregate classification (germline): Uncertain significance (1 of 4 stars; one submission).

Submission:

Labcorp Genetics (formerly Invitae), Labcorp
Classification: Uncertain significance. Last evaluated: 2024-04-05. Review status: criteria provided, single submitter. Criteria: Invitae Variant Classification Sherloc (09022015). Collection method: clinical testing. Allele origin: germline.
Comment: This sequence change replaces glutamine, which is neutral and polar, with glutamic acid, which is acidic and polar, at codon 351 of the SMARCA2 protein (p.Gln351Glu). This variant is not present in population databases (gnomAD no frequency). This variant has not been reported in the literature in individuals affected with SMARCA2-related conditions. Advanced modeling of protein sequence and biophysical properties (such as structural, functional, and spatial information, amino acid conservation, physicochemical variation, residue mobility, and thermodynamic stability) performed at Invitae indicates that this missense variant is not expected to disrupt SMARCA2 protein function with a negative predictive value of 80%. In summary, the available evidence is currently insufficient to determine the role of this variant in disease. Therefore, it has been classified as a Variant of Uncertain Significance.

NM_003070.5(SMARCA2):c.1051C>G (p.Gln351Glu)

Gene: SMARCA2 (SWI/SNF related BAF chromatin remodeling complex subunit ATPase 2; plus strand). Cytogenetic location: 9p24.3.
Variant type: single nucleotide variant.
Coding change: c.1051C>G on transcript NM_003070.5 (MANE Select); coding-DNA position 1051, C replaced by G.
Protein change: p.Gln351Glu; replaces glutamine 351 with glutamic acid.
Molecular consequence: missense variant.
Genome position (GRCh38, 1-based): chr9:2,054,601, C>G. VCF-style: chr9-2054601-C-G. GRCh37 (hg19) VCF-style: chr9-2054601-C-G.
Other names: c.1051C>G, p.Gln351Glu (NM_001289397.2, NM_139045.4, NM_001289396.2); short protein forms Q351E.
Identifiers: ClinVar variation 3648874 (VCV003648874.2).
Genomic context (GRCh38, chr9:2,054,601, plus strand): 5'-AAATTGTAATGTGTTTTTCCCCTGCCCCCTTTTCCCCATTTTATTGTTTCCTTTAGACTT[C>G]AGGCCCGCATAGCTCATAGGATACAAGAACTGGAAAATCTGCCTGGCTCTTTGCCACCAG-3'
Protein context (NP_003061.3, residues 341-361): EILQEREYRL[Gln351Glu]ARIAHRIQEL